The following is an entry in ClinVar:

NM_002582.4(PARN):c.867G>A (p.Met289Ile)

Gene: PARN (poly(A)-specific ribonuclease; minus strand). Cytogenetic location: 16p13.12.
Variant type: single nucleotide variant.
Coding change: c.867G>A on transcript NM_002582.4 (MANE Select); coding-DNA position 867, G replaced by A.
Protein change: p.Met289Ile; replaces methionine 289 with isoleucine.
Molecular consequence: missense variant.
Genome position (GRCh38, 1-based): chr16:14,593,352, C>T on the plus strand (G>A on the coding strand, the complement: PARN is on the minus strand). VCF-style: chr16-14593352-C-T. GRCh37 (hg19) VCF-style: chr16-14687209-C-T.
Other names: c.684G>A, p.Met228Ile (NM_001134477.3); c.729G>A, p.Met243Ile (NM_001242992.2); c.867G>A (NM_002582.3); short protein forms M243I, M289I, M228I.
Identifiers: ClinVar variation 1964334 (VCV001964334.6), dbSNP rs1176408023, ClinGen allele CA394804701.

ClinVar aggregate classification (germline): Uncertain significance. Review status: criteria provided, multiple submitters, no conflicts (2 of 4 stars). 2 submissions from 2 submitters: Uncertain significance (2). Last evaluated 2024-10-27.

Conditions:
Dyskeratosis congenita, autosomal recessive 6 (DKCB6). Identifiers: MedGen C4225356, MONDO:0014600, OMIM 616353.
Pulmonary fibrosis and/or bone marrow failure, Telomere-related, 4. Also called: PULMONARY FIBROSIS AND/OR BONE MARROW FAILURE SYNDROME, TELOMERE-RELATED, 4. Identifiers: Orphanet 2032, MedGen C4225347, MONDO:0014612, OMIM 616371.

Allele frequency attached by ClinVar (database versions not stated): gnomAD exomes below 0.00001.
gnomAD v4.1: 1 of 1,604,964 alleles (0.000062%); highest among the groups gnomAD compares: East Asian, 0.0022%; no homozygotes.

Submissions (2):

Labcorp Genetics (formerly Invitae), Labcorp
Classification: Uncertain significance for Dyskeratosis congenita, autosomal recessive 6; Pulmonary fibrosis and/or bone marrow failure, Telomere-related, 4. Last evaluated: 2024-10-27. Review status: criteria provided, single submitter. Criteria: Invitae Variant Classification Sherloc (09022015). Collection method: clinical testing. Allele origin: germline.
Comment: This sequence change replaces methionine, which is neutral and non-polar, with isoleucine, which is neutral and non-polar, at codon 289 of the PARN protein (p.Met289Ile). This variant is present in population databases (no rsID available, gnomAD 0.006%). This variant has not been reported in the literature in individuals affected with PARN-related conditions. ClinVar contains an entry for this variant (Variation ID: 1964334). Invitae Evidence Modeling of protein sequence and biophysical properties (such as structural, functional, and spatial information, amino acid conservation, physicochemical variation, residue mobility, and thermodynamic stability) indicates that this missense variant is not expected to disrupt PARN protein function with a negative predictive value of 80%. In summary, the available evidence is currently insufficient to determine the role of this variant in disease. Therefore, it has been classified as a Variant of Uncertain Significance.

Fulgent Genetics
Classification: Uncertain significance for Dyskeratosis congenita, autosomal recessive 6; Pulmonary fibrosis and/or bone marrow failure, Telomere-related, 4. Last evaluated: 2023-12-30. Review status: criteria provided, single submitter. Criteria: ACMG Guidelines, 2015. Collection method: clinical testing. Allele origin: germline.